The following is an entry in ClinVar:

ClinVar aggregate classification (germline): Uncertain significance (1 of 4 stars; one submission).

Conditions:
Methylmalonic acidemia due to transcobalamin receptor defect (MATR). Also called: METHYLMALONIC ACIDURIA, TRANSIENT, DUE TO TRANSCOBALAMIN RECEPTOR DEFECT; METHYLMALONIC ACIDEMIA, TCblR TYPE. Identifiers: Orphanet 280183, MedGen C4749905, MONDO:0013341, OMIM 613646.

gnomAD v4.1: 19 of 1,583,202 alleles (0.0012%); highest among the groups gnomAD compares: Non-Finnish European, 0.0015%; no homozygotes.

Submission:

Labcorp Genetics (formerly Invitae), Labcorp
Classification: Uncertain significance for Methylmalonic acidemia due to transcobalamin receptor defect. Last evaluated: 2025-11-06. Review status: criteria provided, single submitter. Criteria: Invitae Variant Classification Sherloc (09022015). Collection method: clinical testing. Allele origin: germline.
Comment: This sequence change replaces valine, which is neutral and non-polar, with phenylalanine, which is neutral and non-polar, at codon 9 of the CD320 protein (p.Val9Phe). The frequency data for this variant in the population databases is considered unreliable, as metrics indicate poor data quality at this position in the gnomAD database. This variant has not been reported in the literature in individuals affected with CD320-related conditions. An algorithm developed to predict the effect of missense changes on protein structure and function (PolyPhen-2) suggests that this variant is likely to be tolerated. In summary, the available evidence is currently insufficient to determine the role of this variant in disease. Therefore, it has been classified as a Variant of Uncertain Significance.

NM_016579.4(CD320):c.25G>T (p.Val9Phe)

Gene: CD320 (CD320 molecule; minus strand). Cytogenetic location: 19p13.2.
Variant type: single nucleotide variant.
Coding change: c.25G>T on transcript NM_016579.4 (MANE Select); coding-DNA position 25, G replaced by T.
Protein change: p.Val9Phe; replaces valine 9 with phenylalanine.
Molecular consequence: missense variant.
Genome position (GRCh38, 1-based): chr19:8,308,266, C>A on the plus strand (G>T on the coding strand, the complement: CD320 is on the minus strand). VCF-style: chr19-8308266-C-A. GRCh37 (hg19) VCF-style: chr19-8373150-C-A.
Other names: c.25G>T, p.Val9Phe (NM_001165895.2); short protein forms V9F.
Identifiers: ClinVar variation 4751011 (VCV004751011.1).
Genomic context (GRCh38, chr19:8,308,266, plus strand): 5'-GTCCGAGGCCGAGCAGCAGCAGCAGCGCCAGGCCCAGAGCCCCTGTTCGCCACGCTCCAA[C>A]CTGCGCCATCCAACCGCCGCTCATGCTGTCCCCACAGCGGCGCCGGCCACGCGCTGTCCA-3'
Protein context (NP_057663.1, residues 1-19): MSGGWMAQ[Val9Phe]GAWRTGALGL